The following is an entry in ClinVar:

NM_001127493.3(ANK2):c.-39-203T>C

Gene: ANK2 (ankyrin 2; plus strand). Cytogenetic location: 4q25.
Variant type: single nucleotide variant.
Coding change: c.-39-203T>C on transcript NM_001127493.3; 203 bases into the intron before 39 bases upstream of the start codon, T replaced by C.
Molecular consequence: intron variant.
Genome position (GRCh38, 1-based): chr4:112,904,252, T>C. VCF-style: chr4-112904252-T-C. GRCh37 (hg19) VCF-style: chr4-113825408-T-C.
Other names: c.72+198035T>C (NM_001386186.2, NM_001386148.2, NM_001354269.3 and 1 more transcripts); c.-39-203T>C (NM_001386147.1, NM_001386160.1, NM_001354254.2 and 35 more transcripts).
Identifiers: ClinVar variation 678731 (VCV000678731.3), dbSNP rs11728353, ClinGen allele CA104468283.
Genomic context (GRCh38, chr4:112,904,252, plus strand): 5'-TTTTTAAAAATCTATTTCTCTTACAGATTAATAGGCTATTTTTCATCTTTTATCACATTC[T>C]GTTTTGGCTACTTTACTGAACTCTTGAAATGTTCAAATATTTTTGCTTTGCTCTTTTGCA-3'

ClinVar aggregate classification (germline): Benign (1 of 4 stars; one submission).

Allele frequency attached by ClinVar (database versions not stated): TOPMed 0.09429; 1000 Genomes Project 30x 0.09838; gnomAD 0.08482 and 0.09028; 1000 Genomes Project 0.08846.
gnomAD v4.1: 12,852 of 152,240 alleles (8.4%); highest among the groups gnomAD compares: African/African-American, 24%; 1,222 homozygotes.

Submission:

GeneDx
Classification: Benign. Last evaluated: 2018-06-16. Review status: criteria provided, single submitter. Criteria: GeneDx Variant Classification (06012015). Collection method: clinical testing. Allele origin: germline. Affected: yes.
Comment: This variant is considered likely benign or benign based on one or more of the following criteria: it is a conservative change, it occurs at a poorly conserved position in the protein, it is predicted to be benign by multiple in silico algorithms, and/or has population frequency not consistent with disease.